The following is an entry in ClinVar:

ClinVar aggregate classification (germline): Uncertain significance. Review status: criteria provided, multiple submitters, no conflicts (2 of 4 stars). 11 submissions from 11 submitters: Uncertain significance (9). 2 of the submissions do not count toward it. Last evaluated 2026-01-26.

Conditions:
Tropical pancreatitis. Identifiers: Orphanet 103918, MedGen C1842402, MONDO:0011986, OMIM 608189.
Hereditary pancreatitis (PCTT). Also called: PRSS1-Related Hereditary Pancreatitis; Hereditary chronic pancreatitis. Identifiers: Orphanet 676, MedGen C0238339, MONDO:0008185, OMIM 167800.

Allele frequency attached by ClinVar (database versions not stated): ExAC 0.00049; gnomAD exomes 0.00055 and 0.00074; TOPMed 0.00057; ESP Exome Variant Server 0.00069.
gnomAD v4.1: 1,158 of 1,609,898 alleles (0.072%); highest among the groups gnomAD compares: Non-Finnish European, 0.089%; 1 homozygote.

Submissions 1 to 8 of 13:

Labcorp Genetics (formerly Invitae), Labcorp
Classification: Uncertain significance for Hereditary pancreatitis. Last evaluated: 2026-01-26. Review status: criteria provided, single submitter. Criteria: Invitae Variant Classification Sherloc (09022015). Collection method: clinical testing. Allele origin: germline.
Comment: This sequence change replaces arginine, which is basic and polar, with glutamine, which is neutral and polar, at codon 65 of the SPINK1 protein (p.Arg65Gln). This variant is present in population databases (rs141634296, gnomAD 0.09%), and has an allele count higher than expected for a pathogenic variant. This missense change has been observed in individual(s) with idiopathic chronic pancreatitis (PMID: 11368029, 17003641, 22427236, 23951356). ClinVar contains an entry for this variant (Variation ID: 36779). An algorithm developed to predict the effect of missense changes on protein structure and function outputs the following: PolyPhen-2: "Benign". The glutamine amino acid residue is found in multiple mammalian species, which suggests that this missense change does not adversely affect protein function. Experimental studies have shown that this missense change affects SPINK1 function (PMID: 17525091, 17568390). Studies have shown that this missense change does not affect mRNA splicing (PMID: 24052272, 28320769). In summary, the available evidence is currently insufficient to determine the role of this variant in disease. Therefore, it has been classified as a Variant of Uncertain Significance.

Women's Health and Genetics/Laboratory Corporation of America, LabCorp
Classification: Uncertain significance. Last evaluated: 2025-12-30. Review status: criteria provided, single submitter. Criteria: LabCorp Variant Classification Summary - May 2015. Collection method: clinical testing. Allele origin: germline.
Comment: Variant summary: SPINK1 c.194G>A (p.Arg65Gln) results in a conservative amino acid change in the encoded protein sequence. Algorithms developed to predict the effect of missense changes on protein structure and function all suggest that this variant is likely to be tolerated. Several computational tools predict a significant impact on normal splicing: Two predict the variant creates a 3' acceptor site. Three predict the variant weakens a 5' donor site. One predicts the variant abolishes a 5' splicing donor site. Functional studies have generated conflicting results with regard to mRNA splicing: Beer_2014 showed a ~75% reduction in SPINK1 mRNA and protein expression using a partial SPINK1 gene in the minigene system, whereas Wu_2017 showed no effect on mRNA expression using full-length SPINK1 in a minigene system. However, both studies were performed in HEK293 cells, which may limit the biological relevance of these assays. Additional functional studies showed that protein secretion may be reduced by the variant (Kiraly_2007, Boulling_2007), though the effect of this reduction is unclear (Szabo_2021). The variant allele was found at a frequency of 0.00053 in 254852 control chromosomes. This frequency is not significantly higher than estimated for a pathogenic variant in SPINK1 causing Chronic Pancreatitis (0.00053 vs 0.022), allowing no conclusion about variant significance. c.194G>A has been reported in the literature in individuals affected with Chronic Pancreatitis and Peutz-Jeghers syndrome (Masson_2013 and Bennett_2021). These data indicate that the variant may be associated with disease. However, at least two patients have been reported with the pathogenic mutation SPINK1 p.N34S (Masson 2013, internal sample) in co-occurrence with the variant, supporting a benign outcome. Co-occurrences with other pathogenic variant(s) have been reported (SPINK1 c.101A>G, p.Asn34Ser; SPINK1 c.101A>G, p.Asn34Ser; PRSS1 c.364C>T , p.Arg122Cys), providing supporting evidence for a benign role. The following publications have been ascertained in the context of this evaluation (PMID: 24052272, 33534223, 17568390, 22343981, 15800694, 17048046, 22228370, 12658397, 17003641, 17525091, 22526274, 15980664, 12743777, 23951356, 31628023, 11368029, 22427236, 33515547, 18206817, 24795752, 18206809, 12651880, 28994706, 28320769, 22577471, 30420730, 40845847). ClinVar contains an entry for this variant (Variation ID: 36779). Based on the evidence outlined above, the variant was classified as VUS-possibly benign.

ARUP Laboratories, Molecular Genetics and Genomics, ARUP Laboratories
Classification: Uncertain significance. Last evaluated: 2025-07-10. Review status: criteria provided, single submitter. Criteria: ARUP Molecular Germline Variant Investigation Process 2024. Collection method: clinical testing. Allele origin: germline.
Comment: The SPINK1 c.194G>A; p.Arg65Gln variant (rs141634296) is reported in the literature in individuals diagnosed with chronic pancreatitis (Keiles 2006, Ockenga 2001, Rosendahl 2013, Szabo 2021, Zou 2018). This variant is also reported in ClinVar (Variation ID: 36779). It is observed in the general population with an overall allele frequency of 0.05% (154/280326 alleles) in the Genome Aggregation Database. Computational analyses are uncertain whether this variant is neutral or deleterious (REVEL: 0.448). Functional characterization of the variant indicates a reduced production and secretion of the SPINK1 mRNA and protein, resulting in reduced overall enzymatic activity (Boulling 2012, Beer 2014, Kiraly 2007). However, the variant has also been reported in unaffected relatives with the same genotype as a proband with pancreatitis (Ockenga 2001). Due to the conflicting information, the clinical significance of the p.Arg65Gln variant is uncertain at this time. References: Beer S et al. Exonic variants affecting pre-mRNA splicing add to genetic burden in chronic pancreatitis. Gut. 2014 May;63(5):860-1. PMID: 24052272. Boulling A et al. Functional analysis of eight missense mutations in the SPINK1 gene. Pancreas. 2012 Mar;41(2):329-30. PMID: 22343981. Keiles S et al. Identification of CFTR, PRSS1, and SPINK1 mutations in 381 patients with pancreatitis. Pancreas. 2006 Oct;33(3):221-7. PMID: 17003641. Kiraly O et al. Missense mutations in pancreatic secretory trypsin inhibitor (SPINK1) cause intracellular retention and degradation. Gut. 2007 Oct;56(10):1433-8. PMID: 17525091. Ockenga J et al. Low prevalence of SPINK1 gene mutations in adult patients with chronic idiopathic pancreatitis. J Med Genet. 2001 Apr;38(4):243-4. PMID: 11368029. Rosendahl J et al. CFTR, SPINK1, CTRC and PRSS1 variants in chronic pancreatitis: is the role of mutated CFTR overestimated? Gut. 2013 Apr;62(4):582-92. PMID: 22427236. Szabo A et al. Defective binding of SPINK1 variants is an uncommon mechanism for impaired trypsin inhibition in chronic pancreatitis. J Biol Chem. 2021 Jan-Jun;296:100343. PMID: 33515547. Zou WB et al. SPINK1, PRSS1, CTRC, and CFTR Genotypes Influence Disease Onset and Clinical Outcomes in Chronic Pancreatitis. Clin Transl Gastroenterol. 2018 Nov 12;9(11):204. PMID: 30420730.

Ambry Genetics
Classification: Uncertain significance for Hereditary pancreatitis. Last evaluated: 2024-12-30. Review status: criteria provided, single submitter. Criteria: Ambry Variant Classification Scheme 2023. Collection method: clinical testing. Allele origin: germline.
Comment: The p.R65Q variant (also known as c.194G>A), located in coding exon 3 of the SPINK1 gene, results from a G to A substitution at nucleotide position 194. The arginine at codon 65 is replaced by glutamine, an amino acid with highly similar properties. However, this change occurs in the last base pair of coding exon 3 and may have some effect on normal mRNA splicing. While mini-gene assays suggested that this mutant would lead to decreased protein expression (Boulling A et al. Eur J Hum Genet. 2007;15:936-942; Beer S, Gut 2014 May; 63(5):860-1), a recent study with full gene reported no effect on either mRNA splicing or expression (Wu H et al. Gut, 2017 Dec;66:2195-2196). In another study, this variant was described to reduce protein secretion but not the activity (Kir&aacute;ly O et al. Gut. 2007; 56:1433-8). This nucleotide position is poorly conserved in available vertebrate species. In silico splice site analysis predicts that this alteration will not have any significant effect on splicing. This amino acid position is poorly conserved in available vertebrate species. In addition, as a missense substitution this is predicted to be tolerated by in silico analysis. Based on the available evidence, the clinical significance of this variant remains unclear.

Fulgent Genetics
Classification: Uncertain significance for Hereditary pancreatitis; Tropical pancreatitis. Last evaluated: 2024-05-14. Review status: criteria provided, single submitter. Criteria: ACMG Guidelines, 2015. Collection method: clinical testing. Allele origin: germline.

Department of Pathology and Laboratory Medicine, Sinai Health System
Classification: Uncertain significance for Hereditary pancreatitis; Tropical pancreatitis. Last evaluated: 2023-03-09. Review status: criteria provided, single submitter. Criteria: ACMG Guidelines, 2015. Collection method: research. Allele origin: germline.

Institute for Clinical Genetics, University Hospital TU Dresden, University Hospital TU Dresden
Classification: Uncertain significance. Last evaluated: 2021-11-03. Review status: criteria provided, single submitter. Criteria: ACMG Guidelines, 2015. Collection method: clinical testing. Allele origin: germline.

Mayo Clinic Laboratories, Mayo Clinic
Classification: Uncertain significance. Last evaluated: 2020-12-01. Review status: criteria provided, single submitter. Criteria: ACMG Guidelines, 2015. Collection method: clinical testing. Allele origin: germline. Observed: 1 variant allele.

NM_001379610.1(SPINK1):c.194G>A (p.Arg65Gln)

Gene: SPINK1 (serine peptidase inhibitor Kazal type 1; minus strand). Cytogenetic location: 5q32.
Variant type: single nucleotide variant.
Coding change: c.194G>A on transcript NM_001379610.1 (MANE Select); coding-DNA position 194, G replaced by A.
Protein change: p.Arg65Gln; replaces arginine 65 with glutamine.
Molecular consequence: missense variant.
Genome position (GRCh38, 1-based): chr5:147,828,022, C>T on the plus strand (G>A on the coding strand, the complement: SPINK1 is on the minus strand). VCF-style: chr5-147828022-C-T. GRCh37 (hg19) VCF-style: chr5-147207585-C-T.
Other names: c.194G>A, p.Arg65Gln (NM_001354966.2, NM_003122.5); short protein forms R65Q.
Identifiers: ClinVar variation 36779 (VCV000036779.50), dbSNP rs141634296, ClinGen allele CA260528.